The following is an entry in ClinVar:

NM_000540.3(RYR1):c.12988A>C (p.Thr4330Pro)

Gene: RYR1 (ryanodine receptor 1; plus strand). Cytogenetic location: 19q13.2.
Variant type: single nucleotide variant.
Coding change: c.12988A>C on transcript NM_000540.3 (MANE Select); coding-DNA position 12988, A replaced by C.
Protein change: p.Thr4330Pro; replaces threonine 4330 with proline.
Molecular consequence: missense variant.
Genome position (GRCh38, 1-based): chr19:38,565,322, A>C. VCF-style: chr19-38565322-A-C. GRCh37 (hg19) VCF-style: chr19-39055962-A-C.
Other names: c.12973A>C, p.Thr4325Pro (NM_001042723.2); short protein forms T4325P, T4330P.
Identifiers: ClinVar variation 2881613 (VCV002881613.3), dbSNP rs1973353668, ClinGen allele CA405672859.

ClinVar aggregate classification (germline): Uncertain significance (1 of 4 stars; one submission).

Conditions:
RYR1-related disorder. Also called: RYR1-related condition; RYR1-related disorders. Identifiers: MedGen CN239331.

Allele frequency attached by ClinVar (database versions not stated): gnomAD 0.00001.

Submission:

Labcorp Genetics (formerly Invitae), Labcorp
Classification: Uncertain significance for RYR1-related disorder. Last evaluated: 2022-11-04. Review status: criteria provided, single submitter. Criteria: Invitae Variant Classification Sherloc (09022015). Collection method: clinical testing. Allele origin: germline.
Comment: In summary, the available evidence is currently insufficient to determine the role of this variant in disease. Therefore, it has been classified as a Variant of Uncertain Significance. Advanced modeling of protein sequence and biophysical properties (such as structural, functional, and spatial information, amino acid conservation, physicochemical variation, residue mobility, and thermodynamic stability) performed at Invitae indicates that this missense variant is not expected to disrupt RYR1 protein function. This variant has not been reported in the literature in individuals affected with RYR1-related conditions. This variant is not present in population databases (gnomAD no frequency). This sequence change replaces threonine, which is neutral and polar, with proline, which is neutral and non-polar, at codon 4330 of the RYR1 protein (p.Thr4330Pro).